The following is an entry in ClinVar:

NM_000540.3(RYR1):c.11591-1G>A

Gene: RYR1 (ryanodine receptor 1; plus strand). Cytogenetic location: 19q13.2.
Variant type: single nucleotide variant.
Coding change: c.11591-1G>A on transcript NM_000540.3 (MANE Select); the canonical splice acceptor site of the intron before coding-DNA position 11591, G replaced by A.
Molecular consequence: splice acceptor variant.
Genome position (GRCh38, 1-based): chr19:38,536,749, G>A. VCF-style: chr19-38536749-G-A. GRCh37 (hg19) VCF-style: chr19-39027389-G-A.
Other names: c.11576-1G>A (NM_001042723.2).
Identifiers: ClinVar variation 2715827 (VCV002715827.3), dbSNP rs2514541181, ClinGen allele CA405657469.

ClinVar aggregate classification (germline): Likely pathogenic (1 of 4 stars; one submission).

Conditions:
RYR1-related disorder. Also called: RYR1-related condition; RYR1-related disorders. Identifiers: MedGen CN239331.

Submission:

Labcorp Genetics (formerly Invitae), Labcorp
Classification: Likely pathogenic for RYR1-related disorder. Last evaluated: 2023-06-15. Review status: criteria provided, single submitter. Criteria: Invitae Variant Classification Sherloc (09022015). Collection method: clinical testing. Allele origin: germline.
Comment: This sequence change affects an acceptor splice site in intron 82 of the RYR1 gene. It is expected to disrupt RNA splicing. Variants that disrupt the donor or acceptor splice site typically lead to a loss of protein function (PMID: 16199547), and loss-of-function variants in RYR1 are known to be pathogenic (PMID: 23919265, 25960145, 28818389, 30611313). In summary, the currently available evidence indicates that the variant is pathogenic, but additional data are needed to prove that conclusively. Therefore, this variant has been classified as Likely Pathogenic. Algorithms developed to predict the effect of sequence changes on RNA splicing suggest that this variant may disrupt the consensus splice site. This variant has not been reported in the literature in individuals affected with RYR1-related conditions. This variant is not present in population databases (gnomAD no frequency).

Literature cited by the submitters: PubMed 16199547; PubMed 23919265; PubMed 25960145; PubMed 28818389; PubMed 30611313.